The following is an entry in ClinVar:

NM_015166.4(MLC1):c.917T>G (p.Leu306Arg)

Gene: MLC1 (modulator of VRAC current 1; minus strand). Cytogenetic location: 22q13.33.
Variant type: single nucleotide variant.
Coding change: c.917T>G on transcript NM_015166.4 (MANE Select); coding-DNA position 917, T replaced by G.
Protein change: p.Leu306Arg; replaces leucine 306 with arginine.
Molecular consequence: missense variant. On other transcripts: non-coding transcript variant (3).
Genome position (GRCh38, 1-based): chr22:50,064,176, A>C on the plus strand (T>G on the coding strand, the complement: MLC1 is on the minus strand). VCF-style: chr22-50064176-A-C. GRCh37 (hg19) VCF-style: chr22-50502605-A-C.
Other names: c.917T>G, p.Leu306Arg (NM_001376472.1, NM_001376473.1, NM_001376474.1 and 5 more transcripts); c.860T>G, p.Leu287Arg (NM_001376479.1); c.827T>G, p.Leu276Arg (NM_001376480.1); c.815T>G, p.Leu272Arg (NM_001376481.1); c.761T>G, p.Leu254Arg (NM_001376482.1, NM_001376483.1); c.680T>G, p.Leu227Arg (NM_001376484.1); c.917T>G (NM_015166.3); short protein forms L254R, L306R, L287R, L227R, L272R, L276R.
Identifiers: ClinVar variation 2151012 (VCV002151012.5), dbSNP rs768711345, ClinGen allele CA10303297.

ClinVar aggregate classification (germline): Uncertain significance. Review status: criteria provided, multiple submitters, no conflicts (2 of 4 stars). 2 submissions from 2 submitters: Uncertain significance (2). Last evaluated 2022-10-03.

Allele frequency attached by ClinVar (database versions not stated): ExAC 0.00001.

Submissions (2):

Greenwood Genetic Center Diagnostic Laboratories, Greenwood Genetic Center
Classification: Uncertain significance. Last evaluated: 2022-10-03. Review status: criteria provided, single submitter. Criteria: ACMG Guidelines, 2015. Collection method: clinical testing. Allele origin: germline. Affected: yes.
Comment: PM2, PM3, PP3

Labcorp Genetics (formerly Invitae), Labcorp
Classification: Uncertain significance. Last evaluated: 2022-08-10. Review status: criteria provided, single submitter. Criteria: Invitae Variant Classification Sherloc (09022015). Collection method: clinical testing. Allele origin: germline.
Comment: This sequence change replaces leucine, which is neutral and non-polar, with arginine, which is basic and polar, at codon 306 of the MLC1 protein (p.Leu306Arg). The frequency data for this variant in the population databases is considered unreliable, as metrics indicate poor data quality at this position in the gnomAD database. This variant has not been reported in the literature in individuals affected with MLC1-related conditions. Algorithms developed to predict the effect of missense changes on protein structure and function are either unavailable or do not agree on the potential impact of this missense change (SIFT: "Deleterious"; PolyPhen-2: "Possibly Damaging"; Align-GVGD: "Class C0"). In summary, the available evidence is currently insufficient to determine the role of this variant in disease. Therefore, it has been classified as a Variant of Uncertain Significance.